The following is an entry in ClinVar:

ClinVar aggregate classification (germline): Uncertain significance (1 of 4 stars; one submission).

Conditions:
Aicardi-Goutieres syndrome 7 (AGS7). Identifiers: Orphanet 51, MedGen C3888244, MONDO:0014367, OMIM 615846.
Singleton-Merten syndrome 1 (SGMRT1). Also called: Widened medullary cavities of bone, aortic calcification, abnormal dentition, and muscular weakness; Syndrome of widened medullary cavities of the metacarpals and phalanges, aortic calcification and abnormal dentition. Identifiers: Orphanet 85191, MedGen C4225427, MONDO:0024535, OMIM 182250.

Submission:

Labcorp Genetics (formerly Invitae), Labcorp
Classification: Uncertain significance for Aicardi-Goutieres syndrome 7; Singleton-Merten syndrome 1. Last evaluated: 2024-11-11. Review status: criteria provided, single submitter. Criteria: Invitae Variant Classification Sherloc (09022015). Collection method: clinical testing. Allele origin: germline.
Comment: This sequence change replaces isoleucine, which is neutral and non-polar, with phenylalanine, which is neutral and non-polar, at codon 805 of the IFIH1 protein (p.Ile805Phe). This variant is not present in population databases (gnomAD no frequency). This variant has not been reported in the literature in individuals affected with IFIH1-related conditions. This missense change has been observed in at least one individual who was not affected with IFIH1-related conditions (internal data). ClinVar contains an entry for this variant (Variation ID: 956733). Invitae Evidence Modeling of protein sequence and biophysical properties (such as structural, functional, and spatial information, amino acid conservation, physicochemical variation, residue mobility, and thermodynamic stability) has been performed for this missense variant. However, the output from this modeling did not meet the statistical confidence thresholds required to predict the impact of this variant on IFIH1 protein function. In summary, the available evidence is currently insufficient to determine the role of this variant in disease. Therefore, it has been classified as a Variant of Uncertain Significance.

NM_022168.4(IFIH1):c.2413A>T (p.Ile805Phe)

Gene: IFIH1 (interferon induced with helicase C domain 1; minus strand). Cytogenetic location: 2q24.2.
Variant type: single nucleotide variant.
Coding change: c.2413A>T on transcript NM_022168.4 (MANE Select); coding-DNA position 2413, A replaced by T.
Protein change: p.Ile805Phe; replaces isoleucine 805 with phenylalanine.
Molecular consequence: missense variant.
Genome position (GRCh38, 1-based): chr2:162,273,836, T>A on the plus strand (A>T on the coding strand, the complement: IFIH1 is on the minus strand). VCF-style: chr2-162273836-T-A. GRCh37 (hg19) VCF-style: chr2-163130346-T-A.
Other names: short protein forms I805F.
Identifiers: ClinVar variation 956733 (VCV000956733.9), dbSNP rs1691095136, ClinGen allele CA348995818.